The following is an entry in ClinVar:

ClinVar aggregate classification (germline): Uncertain significance (1 of 4 stars; one submission).

Conditions:
Cowden syndrome 6 (CWS6). Identifiers: Orphanet 201, MedGen C3554519, MONDO:0014048, OMIM 615109.

Allele frequency attached by ClinVar (database versions not stated): TOPMed below 0.00001.

Submission:

Labcorp Genetics (formerly Invitae), Labcorp
Classification: Uncertain significance for Cowden syndrome 6. Last evaluated: 2017-02-17. Review status: criteria provided, single submitter. Criteria: Invitae Variant Classification Sherloc (09022015). Collection method: clinical testing. Allele origin: germline.
Comment: In summary, this variant is a novel missense change with uncertain impact on protein function. It has been classified as a Variant of Uncertain Significance. Algorithms developed to predict the effect of missense changes on protein structure and function do not agree on the potential impact of this missense change (SIFT: "Deleterious"; PolyPhen-2: "Benign"; Align-GVGD: "Class C0"). This variant is not present in population databases (ExAC no frequency) and has not been reported in the literature in individuals with a AKT1-related disease. This sequence change replaces glutamine with histidine at codon 414 of the AKT1 protein (p.Gln414His). The glutamine residue is moderately conserved and there is a small physicochemical difference between glutamine and histidine.

NM_001382430.1(AKT1):c.1242G>C (p.Gln414His)

Gene: AKT1 (AKT serine/threonine kinase 1; minus strand). Cytogenetic location: 14q32.33.
Variant type: single nucleotide variant.
Coding change: c.1242G>C on transcript NM_001382430.1 (MANE Select); coding-DNA position 1242, G replaced by C.
Protein change: p.Gln414His; replaces glutamine 414 with histidine.
Molecular consequence: missense variant.
Genome position (GRCh38, 1-based): chr14:104,772,383, C>G on the plus strand (G>C on the coding strand, the complement: AKT1 is on the minus strand). VCF-style: chr14-104772383-C-G. GRCh37 (hg19) VCF-style: chr14-105238720-C-G.
Other names: c.1242G>C, p.Gln414His (NM_001014431.2, NM_001014432.2, NM_001382431.1 and 3 more transcripts); short protein forms Q414H.
Identifiers: ClinVar variation 473851 (VCV000473851.8), dbSNP rs1555383354, ClinGen allele CA391216125.
Genomic context (GRCh38, chr14:104,772,383, plus strand): 5'-GGGGAGCATGCGTGCGCGTGAATATGCGGGGAGCAGCCGCACCTTCTTCTCGTACACGTG[C>G]TGCCACACGATACCGGCAAAGAAGCGATGCTGCATGATCTCCTTGGCGTCCTCGGAGCCC-3'
Protein context (NP_001369359.1, residues 404-424): QHRFFAGIVW[Gln414His]HVYEKKLSPP